The following is an entry in ClinVar:

ClinVar aggregate classification (germline): Uncertain significance. Review status: criteria provided, multiple submitters, no conflicts (2 of 4 stars). 2 submissions from 2 submitters: Uncertain significance (2). Last evaluated 2025-09-24.

Submissions (2):

Women's Health and Genetics/Laboratory Corporation of America, LabCorp
Classification: Uncertain significance. Last evaluated: 2025-09-24. Review status: criteria provided, single submitter. Criteria: LabCorp Variant Classification Summary - May 2015. Collection method: clinical testing. Allele origin: germline.
Comment: Variant summary: MYH9 c.4510A>G (p.Thr1504Ala) results in a non-conservative amino acid change in the encoded protein sequence. Algorithms developed to predict the effect of missense changes on protein structure and function are either unavailable or do not agree on the potential impact of this missense change. The variant was absent in 251270 control chromosomes. The available data on variant occurrences in the general population are insufficient to allow any conclusion about variant significance. To our knowledge, no occurrence of c.4510A>G in individuals affected with MYH9-related conditions and no experimental evidence demonstrating its impact on protein function have been reported. ClinVar contains an entry for this variant (Variation ID: 3681748). Based on the evidence outlined above, the variant was classified as uncertain significance.

Labcorp Genetics (formerly Invitae), Labcorp
Classification: Uncertain significance. Last evaluated: 2025-03-03. Review status: criteria provided, single submitter. Criteria: Invitae Variant Classification Sherloc (09022015). Collection method: clinical testing. Allele origin: germline.
Comment: This sequence change replaces threonine, which is neutral and polar, with alanine, which is neutral and non-polar, at codon 1504 of the MYH9 protein (p.Thr1504Ala). This variant is not present in population databases (gnomAD no frequency). This variant has not been reported in the literature in individuals affected with MYH9-related conditions. Invitae Evidence Modeling of protein sequence and biophysical properties (such as structural, functional, and spatial information, amino acid conservation, physicochemical variation, residue mobility, and thermodynamic stability) indicates that this missense variant is not expected to disrupt MYH9 protein function with a negative predictive value of 95%. In summary, the available evidence is currently insufficient to determine the role of this variant in disease. Therefore, it has been classified as a Variant of Uncertain Significance.

NM_002473.6(MYH9):c.4510A>G (p.Thr1504Ala)

Gene: MYH9 (myosin heavy chain 9; minus strand). Cytogenetic location: 22q12.3.
Variant type: single nucleotide variant.
Coding change: c.4510A>G on transcript NM_002473.6 (MANE Select); coding-DNA position 4510, A replaced by G.
Protein change: p.Thr1504Ala; replaces threonine 1504 with alanine.
Molecular consequence: missense variant.
Genome position (GRCh38, 1-based): chr22:36,289,132, T>C on the plus strand (A>G on the coding strand, the complement: MYH9 is on the minus strand). VCF-style: chr22-36289132-T-C. GRCh37 (hg19) VCF-style: chr22-36685178-T-C.
Other names: short protein forms T1504A.
Identifiers: ClinVar variation 3681748 (VCV003681748.3).